The following is an entry in ClinVar:

ClinVar aggregate classification (germline): Pathogenic. Review status: criteria provided, multiple submitters, no conflicts (2 of 4 stars). 3 submissions from 3 submitters: Pathogenic (3). Last evaluated 2024-07-05.

Conditions:
Congenital myasthenic syndrome 4A. Also called: Myasthenic syndrome, congenital, 4a, slow-channel; CONGENITAL MYASTHENIC SYNDROME TYPE Ia1; MYASTHENIC SYNDROME, CONGENITAL, 4A, SLOW-CHANNEL, AUTOSOMAL RECESSIVE. Identifiers: Orphanet 590, MedGen C4225413, MONDO:0011600, OMIM 605809.
Congenital myasthenic syndrome (CMS). Also called: Congenital Myasthenic Syndromes. Identifiers: Orphanet 590, MedGen C0751882, MeSH D020294, MONDO:0018940.

Allele frequency attached by ClinVar (database versions not stated): gnomAD exomes 0.00001; ExAC 0.00002.
gnomAD v4.1: 7 of 1,613,998 alleles (0.00043%); highest among the groups gnomAD compares: Non-Finnish European, 0.00059%; no homozygotes.

Submissions (3):

Natera, Inc.
Classification: Pathogenic for Congenital myasthenic syndrome. Last evaluated: 2024-07-05. Review status: criteria provided, single submitter. Criteria: Natera Variant Classification Schema (03/2026). Collection method: clinical testing. Allele origin: germline.
Comment: The c.84T>G variant in CHRNE is a nonsense variant predicted to introduce a stop codon at amino acid 28. This variant is expected to result in nonsense mediated decay, truncation, or a dysfunctional protein product. This variant is rare in the general population with a frequency below the threshold expected for the associated phenotype(s). This variant has been observed in one or more individuals affected with the associated recessive disease, as either homozygous or compound heterozygous with a second variant (PMID: 20157724). Given the available evidence, this variant is classified as Pathogenic.

Myriad Genetics, Inc.
Classification: Pathogenic for Congenital myasthenic syndrome. Last evaluated: 2024-06-12. Review status: criteria provided, single submitter. Criteria: Myriad Autosomal Dominant, Autosomal Recessive and X-Linked Classification Criteria (2023). Collection method: clinical testing. Allele origin: unknown.
Comment: NM_000080.3(CHRNE):c.84T>G(Y28*) is expected to be pathogenic in the context of congenital myasthenic syndrome, CHRNE-related. This variant is predicted to lead to an abnormal or absent protein product due to the creation of a premature termination codon in CHRNE, a gene where loss-of-function variants are known to be pathogenic. Please note: this variant was assessed in the context of healthy population screening.

Labcorp Genetics (formerly Invitae), Labcorp
Classification: Pathogenic for Congenital myasthenic syndrome 4A. Last evaluated: 2023-05-22. Review status: criteria provided, single submitter. Criteria: Invitae Variant Classification Sherloc (09022015). Collection method: clinical testing. Allele origin: germline.
Comment: ClinVar contains an entry for this variant (Variation ID: 1076387). This variant is also known as p.Y8X. This premature translational stop signal has been observed in individual(s) with autosomal recessive congenital myasthenic syndrome (PMID: 20157724). This variant is present in population databases (rs748103983, gnomAD 0.003%). This sequence change creates a premature translational stop signal (p.Tyr28*) in the CHRNE gene. It is expected to result in an absent or disrupted protein product. Loss-of-function variants in CHRNE are known to be pathogenic (PMID: 22678886). For these reasons, this variant has been classified as Pathogenic.

Literature cited by the submitters: PubMed 20157724 (cited by Natera, Inc. and Labcorp Genetics (formerly Invitae), Labcorp); PubMed 22678886 (cited by Labcorp Genetics (formerly Invitae), Labcorp).

NM_000080.4(CHRNE):c.84T>G (p.Tyr28Ter)

Genes: C17orf107 (chromosome 17 open reading frame 107; plus strand), CHRNE (cholinergic receptor nicotinic epsilon subunit; minus strand). Cytogenetic location: 17p13.2.
Variant type: single nucleotide variant.
Coding change: c.84T>G on transcript NM_000080.4 (MANE Select); coding-DNA position 84, T replaced by G.
Protein change: p.Tyr28Ter; replaces tyrosine 28 with a stop codon.
Molecular consequence: nonsense. On other transcripts: 3 prime UTR variant (1).
Genome position (GRCh38, 1-based): chr17:4,902,726, A>C on the plus strand (T>G on the coding strand, the complement: CHRNE is on the minus strand). VCF-style: chr17-4902726-A-C. GRCh37 (hg19) VCF-style: chr17-4806021-A-C.
Other names: c.*2193A>C (NM_001145536.2); c.84T>G (NM_000080.3); short protein forms Y28*.
Identifiers: ClinVar variation 1076387 (VCV001076387.10), dbSNP rs748103983, ClinGen allele CA8314608.